The following is an entry in ClinVar:

ClinVar aggregate classification (germline): Uncertain significance (1 of 4 stars; one submission).

Conditions:
Desmin-related myofibrillar myopathy (MFM1). Also called: Desminopathy; Desmin related myopathy (former name); Desmin storage myopathy (former name); MYOFIBRILLAR MYOPATHY WITH ARRHYTHMOGENIC RIGHT VENTRICULAR CARDIOMYOPATHY; DESMIN-RELATED MYOPATHY WITH ARRHYTHMOGENIC RIGHT VENTRICULAR CARDIOMYOPATHY; Myofibrillar myopathy 1. Identifiers: Orphanet 363543, Orphanet 98909, MedGen C1832370, MONDO:0011076, OMIM 601419.

gnomAD v4.1: 1 of 1,613,926 alleles (0.000062%); highest among the groups gnomAD compares: Non-Finnish European, 0.000085%; no homozygotes.

Submission:

Labcorp Genetics (formerly Invitae), Labcorp
Classification: Uncertain significance for Desmin-related myofibrillar myopathy. Last evaluated: 2023-02-03. Review status: criteria provided, single submitter. Criteria: Invitae Variant Classification Sherloc (09022015). Collection method: clinical testing. Allele origin: germline.
Comment: This sequence change falls in intron 3 of the DES gene. It does not directly change the encoded amino acid sequence of the DES protein. It affects a nucleotide within the consensus splice site. This variant is not present in population databases (gnomAD no frequency). This variant has not been reported in the literature in individuals affected with DES-related conditions. Variants that disrupt the consensus splice site are a relatively common cause of aberrant splicing (PMID: 17576681, 9536098). Algorithms developed to predict the effect of sequence changes on RNA splicing suggest that this variant may create or strengthen a splice site. In summary, the available evidence is currently insufficient to determine the role of this variant in disease. Therefore, it has been classified as a Variant of Uncertain Significance.

Literature cited by the submitters: PubMed 17576681; PubMed 9536098.

NM_001927.4(DES):c.736-3C>A

Gene: DES (desmin; plus strand). Cytogenetic location: 2q35.
Variant type: single nucleotide variant.
Coding change: c.736-3C>A on transcript NM_001927.4 (MANE Select); 3 bases into the intron before coding-DNA position 736, C replaced by A.
Molecular consequence: intron variant.
Genome position (GRCh38, 1-based): chr2:219,420,492, C>A. VCF-style: chr2-219420492-C-A. GRCh37 (hg19) VCF-style: chr2-220285214-C-A.
Other names: c.736-3C>A (NM_001382712.1, NM_001382711.1, NM_001382710.1); c.735+146C>A (NM_001382709.1); c.733-3C>A (NM_001382708.1); c.496-33C>A (NM_001382713.1).
Identifiers: ClinVar variation 2937009 (VCV002937009.3), dbSNP rs113252016, ClinGen allele CA2577252574.